The following is an entry in ClinVar:

ClinVar aggregate classification (germline): Conflicting classifications of pathogenicity. Review status: criteria provided, conflicting classifications (1 of 4 stars). 2 submissions from 2 submitters: Uncertain significance (1); Likely benign (1). Last evaluated 2024-04-15.

Conditions:
Hereditary pancreatitis (PCTT). Also called: Hereditary chronic pancreatitis; PRSS1-Related Hereditary Pancreatitis. Identifiers: Orphanet 676, MedGen C0238339, MONDO:0008185, OMIM 167800.

Allele frequency attached by ClinVar (database versions not stated): TOPMed 0.00001.
gnomAD v4.1: 12 of 1,614,082 alleles (0.00074%); highest among the groups gnomAD compares: East Asian, 0.027%; no homozygotes.

Submissions (2):

Labcorp Genetics (formerly Invitae), Labcorp
Classification: Uncertain significance. Last evaluated: 2024-04-15. Review status: criteria provided, single submitter. Criteria: Invitae Variant Classification Sherloc (09022015). Collection method: clinical testing. Allele origin: germline.
Comment: This sequence change replaces threonine, which is neutral and polar, with asparagine, which is neutral and polar, at codon 212 of the CPA1 protein (p.Thr212Asn). This variant is present in population databases (rs540251433, gnomAD 0.06%). This variant has not been reported in the literature in individuals affected with CPA1-related conditions. ClinVar contains an entry for this variant (Variation ID: 1006951). Advanced modeling of protein sequence and biophysical properties (such as structural, functional, and spatial information, amino acid conservation, physicochemical variation, residue mobility, and thermodynamic stability) performed at Invitae indicates that this missense variant is not expected to disrupt CPA1 protein function with a negative predictive value of 80%. In summary, the available evidence is currently insufficient to determine the role of this variant in disease. Therefore, it has been classified as a Variant of Uncertain Significance.

Ambry Genetics
Classification: Likely benign for Hereditary pancreatitis. Last evaluated: 2021-06-25. Review status: criteria provided, single submitter. Criteria: Ambry Variant Classification Scheme 2023. Collection method: clinical testing. Allele origin: germline.

NM_001868.4(CPA1):c.635C>A (p.Thr212Asn)

Gene: CPA1 (carboxypeptidase A1; plus strand). Cytogenetic location: 7q32.2.
Variant type: single nucleotide variant.
Coding change: c.635C>A on transcript NM_001868.4 (MANE Select); coding-DNA position 635, C replaced by A.
Protein change: p.Thr212Asn; replaces threonine 212 with asparagine.
Molecular consequence: missense variant.
Genome position (GRCh38, 1-based): chr7:130,383,733, C>A. VCF-style: chr7-130383733-C-A. GRCh37 (hg19) VCF-style: chr7-130023574-C-A.
Other names: short protein forms T212N.
Identifiers: ClinVar variation 1006951 (VCV001006951.8), dbSNP rs540251433, ClinGen allele CA4484882.